The following is an entry in ClinVar:

NM_014585.6(SLC40A1):c.539T>C (p.Ile180Thr)

Gene: SLC40A1 (solute carrier family 40 member 1; minus strand). Cytogenetic location: 2q32.2.
Variant type: single nucleotide variant.
Coding change: c.539T>C on transcript NM_014585.6 (MANE Select); coding-DNA position 539, T replaced by C.
Protein change: p.Ile180Thr; replaces isoleucine 180 with threonine.
Molecular consequence: missense variant.
Genome position (GRCh38, 1-based): chr2:189,565,575, A>G on the plus strand (T>C on the coding strand, the complement: SLC40A1 is on the minus strand). VCF-style: chr2-189565575-A-G. GRCh37 (hg19) VCF-style: chr2-190430301-A-G.
Other names: short protein forms I180T.
Identifiers: ClinVar variation 3623964 (VCV003623964.1).

ClinVar aggregate classification (germline): Uncertain significance (1 of 4 stars; one submission).

Conditions:
Hemochromatosis type 4 (HFE4). Also called: HEMOCHROMATOSIS DUE TO DEFECT IN FERROPORTIN; HEMOCHROMATOSIS, AUTOSOMAL DOMINANT; Ferroportin disease. Identifiers: Orphanet 139491, Orphanet 647834, Orphanet 648562, MedGen C1853733, MONDO:0011631, OMIM 606069.

Submission:

Labcorp Genetics (formerly Invitae), Labcorp
Classification: Uncertain significance for Hemochromatosis type 4. Last evaluated: 2024-07-13. Review status: criteria provided, single submitter. Criteria: Invitae Variant Classification Sherloc (09022015). Collection method: clinical testing. Allele origin: germline.
Comment: This sequence change replaces isoleucine, which is neutral and non-polar, with threonine, which is neutral and polar, at codon 180 of the SLC40A1 protein (p.Ile180Thr). This variant is present in population databases (rs759271778, gnomAD 0.03%), and has an allele count higher than expected for a pathogenic variant. This missense change has been observed in individual(s) with hemochromatosis (PMID: 16257244, 24714983). Advanced modeling of protein sequence and biophysical properties (such as structural, functional, and spatial information, amino acid conservation, physicochemical variation, residue mobility, and thermodynamic stability) performed at Invitae indicates that this missense variant is expected to disrupt SLC40A1 protein function with a positive predictive value of 80%. Experimental studies have shown that this missense change does not substantially affect SLC40A1 function (PMID: 24714983). In summary, the available evidence is currently insufficient to determine the role of this variant in disease. Therefore, it has been classified as a Variant of Uncertain Significance.

Literature cited by the submitters: PubMed 16257244; PubMed 24714983.